The following is an entry in ClinVar:

ClinVar aggregate classification (germline): Uncertain significance (1 of 4 stars; one submission).

Submission:

Labcorp Genetics (formerly Invitae), Labcorp
Classification: Uncertain significance. Last evaluated: 2023-09-21. Review status: criteria provided, single submitter. Criteria: Invitae Variant Classification Sherloc (09022015). Collection method: clinical testing. Allele origin: germline.
Comment: This variant is not present in population databases (gnomAD no frequency). This sequence change replaces proline, which is neutral and non-polar, with histidine, which is basic and polar, at codon 699 of the IL12RB2 protein (p.Pro699His). In summary, the available evidence is currently insufficient to determine the role of this variant in disease. Therefore, it has been classified as a Variant of Uncertain Significance. An algorithm developed to predict the effect of missense changes on protein structure and function (PolyPhen-2) suggests that this variant is likely to be disruptive. ClinVar contains an entry for this variant (Variation ID: 2008754). This variant has not been reported in the literature in individuals affected with IL12RB2-related conditions.

NM_001374259.2(IL12RB2):c.2096C>A (p.Pro699His)

Gene: IL12RB2 (interleukin 12 receptor subunit beta 2; plus strand). Cytogenetic location: 1p31.3.
Variant type: single nucleotide variant.
Coding change: c.2096C>A on transcript NM_001374259.2 (MANE Select); coding-DNA position 2096, C replaced by A.
Protein change: p.Pro699His; replaces proline 699 with histidine.
Molecular consequence: missense variant. On other transcripts: 3 prime UTR variant (2), synonymous variant (1), non-coding transcript variant (2).
Genome position (GRCh38, 1-based): chr1:67,395,596, C>A. VCF-style: chr1-67395596-C-A. GRCh37 (hg19) VCF-style: chr1-67861279-C-A.
Other names: c.*16C>A (NM_001258214.1, NM_001319233.1); c.1838C>A, p.Pro613His (NM_001258215.1); c.1905C>A, p.Ala635= (NM_001258216.1); c.2096C>A, p.Pro699His (NM_001559.3); short protein forms P699H, P613H.
Identifiers: ClinVar variation 2008754 (VCV002008754.4), dbSNP rs1666292820, ClinGen allele CA340734850.